The following is an entry in ClinVar:

NM_001376.5(DYNC1H1):c.10676G>A (p.Arg3559His)

Gene: DYNC1H1 (dynein cytoplasmic 1 heavy chain 1; plus strand). Cytogenetic location: 14q32.31.
Variant type: single nucleotide variant.
Coding change: c.10676G>A on transcript NM_001376.5 (MANE Select); coding-DNA position 10676, G replaced by A.
Protein change: p.Arg3559His; replaces arginine 3559 with histidine.
Molecular consequence: missense variant.
Genome position (GRCh38, 1-based): chr14:102,034,374, G>A. VCF-style: chr14-102034374-G-A. GRCh37 (hg19) VCF-style: chr14-102500711-G-A.
Other names: short protein forms R3559H.
Identifiers: ClinVar variation 2441063 (VCV002441063.6), dbSNP rs777583611, ClinGen allele CA7353460.

ClinVar aggregate classification (germline): Uncertain significance. Review status: criteria provided, multiple submitters, no conflicts (2 of 4 stars). 2 submissions from 2 submitters: Uncertain significance (2). Last evaluated 2024-01-10.

Conditions:
Charcot-Marie-Tooth disease axonal type 2O. Also called: Charcot-Marie-Tooth Neuropathy Type 2O; CHARCOT-MARIE-TOOTH NEUROPATHY, AXONAL, TYPE 2O; CHARCOT-MARIE-TOOTH DISEASE, AXONAL, AUTOSOMAL DOMINANT, TYPE 2O; Charcot-Marie-Tooth disease, axonal, type 20. Identifiers: Orphanet 284232, MedGen C3280220, MONDO:0013644, OMIM 614228.

Allele frequency attached by ClinVar (database versions not stated): gnomAD exomes below 0.00001; ExAC 0.00001.
gnomAD v4.1: 7 of 1,614,114 alleles (0.00043%); highest among the groups gnomAD compares: African/African-American, 0.0013%; no homozygotes.

Submissions (2):

Labcorp Genetics (formerly Invitae), Labcorp
Classification: Uncertain significance for Charcot-Marie-Tooth disease axonal type 2O. Last evaluated: 2024-01-10. Review status: criteria provided, single submitter. Criteria: Invitae Variant Classification Sherloc (09022015). Collection method: clinical testing. Allele origin: germline.
Comment: This sequence change replaces arginine, which is basic and polar, with histidine, which is basic and polar, at codon 3559 of the DYNC1H1 protein (p.Arg3559His). This variant is present in population databases (rs777583611, gnomAD 0.002%). This variant has not been reported in the literature in individuals affected with DYNC1H1-related conditions. ClinVar contains an entry for this variant (Variation ID: 2441063). Advanced modeling of protein sequence and biophysical properties (such as structural, functional, and spatial information, amino acid conservation, physicochemical variation, residue mobility, and thermodynamic stability) performed at Invitae indicates that this missense variant is expected to disrupt DYNC1H1 protein function with a positive predictive value of 95%. In summary, the available evidence is currently insufficient to determine the role of this variant in disease. Therefore, it has been classified as a Variant of Uncertain Significance.

Revvity Omics, Revvity
Classification: Uncertain significance. Last evaluated: 2021-09-02. Review status: criteria provided, single submitter. Criteria: ACMG Guidelines, 2015. Collection method: clinical testing. Allele origin: germline.